The following is an entry in ClinVar:

NM_017633.3(TENT5A):c.72CGGCGACTTCGGCGG[3] (p.26DFGGG[3])

Gene: TENT5A (terminal nucleotidyltransferase 5A; minus strand). Cytogenetic location: 6q14.1.
Variant type: Microsatellite.
Coding change: c.72CGGCGACTTCGGCGG[3] on transcript NM_017633.3 (MANE Select); three copies in a row of the 15-base unit CGGCGACTTCGGCGG starting at c.72; the reference has four copies in a row; one copy, 15 bases deleted.
Protein change: p.26DFGGG[3].
Molecular consequence: inframe deletion.
Genome position (GRCh38, 1-based): chr6:81,752,011-81,752,025, CCGCCGAAGTCGCCG deleted on the plus strand (CGGCGACTTCGGCGG on the coding strand, the reverse complement: TENT5A is on the minus strand); deleting any 15 consecutive bases within chr6:81,752,011-81,752,072 gives the same sequence; the position shown is the placement nearest the transcript's 3' end. VCF-style (leftmost placement, unchanged base first): chr6-81752010-ACCGCCGAAGTCGCCG-A. GRCh37 (hg19) VCF-style: chr6-82461727-ACCGCCGAAGTCGCCG-A.
Identifiers: ClinVar variation 402846 (VCV000402846.14), dbSNP rs754008809, ClinGen allele CA3903069.

ClinVar aggregate classification (germline): Benign/Likely benign. Review status: criteria provided, multiple submitters, no conflicts (2 of 4 stars). 5 submissions from 5 submitters: Benign (4); Likely benign (1). Last evaluated 2026-02-04.

Submissions (5):

Labcorp Genetics (formerly Invitae), Labcorp
Classification: Benign. Last evaluated: 2026-02-04. Review status: criteria provided, single submitter. Criteria: Invitae Variant Classification Sherloc (09022015). Collection method: clinical testing. Allele origin: germline.

Laboratory of Genetics, Children's Clinical University Hospital Latvia
Classification: Benign. Last evaluated: 2025-02-16. Review status: criteria provided, single submitter. Criteria: ACMG Guidelines, 2015. Collection method: clinical testing. Allele origin: germline. Affected: yes.

Blueprint Genetics
Classification: Likely benign. Last evaluated: 2024-11-27. Review status: criteria provided, single submitter. Criteria: ACMG Guidelines, 2015. Collection method: clinical testing. Allele origin: germline.

GeneDx
Classification: Benign. Last evaluated: 2019-08-12. Review status: criteria provided, single submitter. Criteria: GeneDx Variant Classification Process June 2021. Collection method: clinical testing. Allele origin: germline. Affected: yes.

Laboratory for Molecular Medicine, Mass General Brigham Personalized Medicine
Classification: Benign. Last evaluated: 2016-03-29. Review status: criteria provided, single submitter. Criteria: LMM Criteria. Collection method: clinical testing. Allele origin: germline.
Comment: Variant identified in a genome or exome case(s) and assessed due to predicted null impact of the variant or pathogenic assertions in the literature or databases. Disclaimer: This variant has not undergone full assessment. The following are preliminary notes: Frequency